The following is an entry in ClinVar:

ClinVar aggregate classification (germline): Uncertain significance (1 of 4 stars; one submission).

Conditions:
Bethlem myopathy 1A. Also called: Bethlem myopathy 1; MYOPATHY, BENIGN CONGENITAL, WITH CONTRACTURES; Bethlem Muscular Dystrophy. Identifiers: Orphanet 610, MedGen CN029274, MONDO:0024530, OMIM 158810.

Allele frequency attached by ClinVar (database versions not stated): gnomAD exomes below 0.00001.
gnomAD v4.1: 1 of 1,613,090 alleles (0.000062%); highest among the groups gnomAD compares: Admixed American, 0.0017%; no homozygotes.

Submission:

Labcorp Genetics (formerly Invitae), Labcorp
Classification: Uncertain significance for Bethlem myopathy 1A. Last evaluated: 2022-02-27. Review status: criteria provided, single submitter. Criteria: Invitae Variant Classification Sherloc (09022015). Collection method: clinical testing. Allele origin: germline.
Comment: This sequence change replaces isoleucine, which is neutral and non-polar, with valine, which is neutral and non-polar, at codon 464 of the COL6A3 protein (p.Ile464Val). This variant is not present in population databases (gnomAD no frequency). This variant has not been reported in the literature in individuals affected with COL6A3-related conditions. Advanced modeling of protein sequence and biophysical properties (such as structural, functional, and spatial information, amino acid conservation, physicochemical variation, residue mobility, and thermodynamic stability) performed at Invitae indicates that this missense variant is not expected to disrupt COL6A3 protein function. In summary, the available evidence is currently insufficient to determine the role of this variant in disease. Therefore, it has been classified as a Variant of Uncertain Significance.

NM_004369.4(COL6A3):c.1390A>G (p.Ile464Val)

Gene: COL6A3 (collagen type VI alpha 3 chain; minus strand). Cytogenetic location: 2q37.3.
Variant type: single nucleotide variant.
Coding change: c.1390A>G on transcript NM_004369.4 (MANE Select); coding-DNA position 1390, A replaced by G.
Protein change: p.Ile464Val; replaces isoleucine 464 with valine.
Molecular consequence: missense variant.
Genome position (GRCh38, 1-based): chr2:237,381,422, T>C on the plus strand (A>G on the coding strand, the complement: COL6A3 is on the minus strand). VCF-style: chr2-237381422-T-C. GRCh37 (hg19) VCF-style: chr2-238290065-T-C.
Other names: c.169A>G, p.Ile57Val (NM_057164.5, NM_057166.5); c.772A>G, p.Ile258Val (NM_057165.5, NM_057167.4); short protein forms I258V, I464V, I57V.
Identifiers: ClinVar variation 1922154 (VCV001922154.5), dbSNP rs2469930457, ClinGen allele CA351218289.